The following is an entry in ClinVar:

ClinVar aggregate classification (germline): Likely benign. Review status: criteria provided, multiple submitters, no conflicts (2 of 4 stars). 4 submissions from 4 submitters: Likely benign (3). 1 of the submissions does not count toward it. Last evaluated 2026-04-01.

Conditions:
Early-infantile DEE. Also called: Early infantile epileptic encephalopathy; Ohtahara syndrome; Early infantile epileptic encephalopathy with suppression bursts. Identifiers: Orphanet 1934, MedGen C0393706, MONDO:0800491.
HCN1-related disorder. Also called: HCN1-related condition; HCN1-related disorders.
Inborn genetic diseases. Identifiers: MedGen C0950123, MeSH D030342.

Allele frequency attached by ClinVar (database versions not stated): ExAC below 0.00001; gnomAD exomes 0.00004 and 0.00026; TOPMed 0.00013; gnomAD 0.00014 and 0.00015; 1000 Genomes Project 30x 0.00031.
gnomAD v4.1: 341 of 1,354,734 alleles (0.025%); highest among the groups gnomAD compares: Non-Finnish European, 0.031%; no homozygotes.

Submissions (4):

CeGaT Center for Human Genetics Tuebingen
Classification: Likely benign. Last evaluated: 2026-04-01. Review status: criteria provided, single submitter. Criteria: CeGaT Center For Human Genetics Tuebingen Variant Classification Criteria Version 2. Collection method: clinical testing. Allele origin: germline. Affected: yes. Observed: 4 variant alleles.
Comment: HCN1: BP4, BP7

Labcorp Genetics (formerly Invitae), Labcorp
Classification: Likely benign for Early-infantile DEE. Last evaluated: 2025-12-01. Review status: criteria provided, single submitter. Criteria: Invitae Variant Classification Sherloc (09022015). Collection method: clinical testing. Allele origin: germline.

Ambry Genetics
Classification: Likely benign for Inborn genetic diseases. Last evaluated: 2019-10-23. Review status: criteria provided, single submitter. Criteria: Ambry Variant Classification Scheme 2023. Collection method: clinical testing. Allele origin: germline.

PreventionGenetics, part of Exact Sciences
Classification: Likely benign for HCN1-related condition. Last evaluated: 2019-03-25. Review status: no assertion criteria provided. Collection method: clinical testing. Allele origin: germline. Not counted in ClinVar's aggregate classification.
Comment: This variant is classified as likely benign based on ACMG/AMP sequence variant interpretation guidelines (Richards et al. 2015 PMID: 25741868, with internal and published modifications).

NM_021072.4(HCN1):c.24C>T (p.Asn8=)

Gene: HCN1 (hyperpolarization activated cyclic nucleotide gated potassium channel 1; minus strand). Cytogenetic location: 5p12.
Variant type: single nucleotide variant.
Coding change: c.24C>T on transcript NM_021072.4 (MANE Select); coding-DNA position 24, C replaced by T.
Protein change: p.Asn8=; no amino-acid change (asparagine 8 retained).
Molecular consequence: synonymous variant.
Genome position (GRCh38, 1-based): chr5:45,696,070, G>A on the plus strand (C>T on the coding strand, the complement: HCN1 is on the minus strand). VCF-style: chr5-45696070-G-A. GRCh37 (hg19) VCF-style: chr5-45696172-G-A.
Identifiers: ClinVar variation 461372 (VCV000461372.49), dbSNP rs753690439, ClinGen allele CA3259516.
Genomic context (GRCh38, chr5:45,696,070, plus strand): 5'-CGTCGCGGACGCCTTGGCGGGGAAGACGCTGTTGCCATCGTCCCGGCTGTTAGACGAAGA[G>A]TTGGGCTTGCCGCCTCCTTCCATGCCCGGAGGACGCGGCCGGCGACGGCGCGGGCTCCAG-3'
Protein context (NP_066550.2, residues 1-18): MEGGGKP[Asn8=]SSSNSRDDGN